The following is an entry in ClinVar:

ClinVar aggregate classification (germline): Uncertain significance (1 of 4 stars; one submission).

Submission:

GeneDx
Classification: Uncertain significance. Last evaluated: 2025-05-01. Review status: criteria provided, single submitter. Criteria: GeneDx Variant Classification Process June 2021. Collection method: clinical testing. Allele origin: germline. Affected: yes.
Comment: Not observed at significant frequency in large population cohorts (gnomAD); In silico analysis suggests that this missense variant does not alter protein structure/function; Has not been previously published as pathogenic or benign to our knowledge

NM_004380.3(CREBBP):c.6815G>A (p.Gly2272Asp)

Gene: CREBBP (CREB binding lysine acetyltransferase; minus strand). Cytogenetic location: 16p13.3.
Variant type: single nucleotide variant.
Coding change: c.6815G>A on transcript NM_004380.3 (MANE Select); coding-DNA position 6815, G replaced by A.
Protein change: p.Gly2272Asp; replaces glycine 2272 with aspartic acid.
Molecular consequence: missense variant.
Genome position (GRCh38, 1-based): chr16:3,728,232, C>T on the plus strand (G>A on the coding strand, the complement: CREBBP is on the minus strand). VCF-style: chr16-3728232-C-T. GRCh37 (hg19) VCF-style: chr16-3778233-C-T.
Other names: c.6701G>A, p.Gly2234Asp (NM_001079846.1); short protein forms G2234D, G2272D.
Identifiers: ClinVar variation 4527824 (VCV004527824.1).